The following is an entry in ClinVar:

NM_001376.5(DYNC1H1):c.11941+55G>C

Gene: DYNC1H1 (dynein cytoplasmic 1 heavy chain 1; plus strand). Cytogenetic location: 14q32.31.
Variant type: single nucleotide variant.
Coding change: c.11941+55G>C on transcript NM_001376.5 (MANE Select); 55 bases into the intron after coding-DNA position 11941, G replaced by C.
Molecular consequence: intron variant.
Genome position (GRCh38, 1-based): chr14:102,040,728, G>C. VCF-style: chr14-102040728-G-C. GRCh37 (hg19) VCF-style: chr14-102507065-G-C.
Identifiers: ClinVar variation 681359 (VCV000681359.2), dbSNP rs17541540, ClinGen allele CA14065749.

ClinVar aggregate classification (germline): Benign. Review status: criteria provided, multiple submitters, no conflicts (2 of 4 stars). 2 submissions from 2 submitters: Benign (2). Last evaluated 2018-06-14.

Allele frequency attached by ClinVar (database versions not stated): 1000 Genomes Project 30x 0.25156; 1000 Genomes Project 0.25839; TOPMed 0.28460; gnomAD 0.30425 and 0.30779; ESP Exome Variant Server 0.31997.
gnomAD v4.1: 634,954 of 1,597,896 alleles (40%); highest among the groups gnomAD compares: Non-Finnish European, 43%; 132,726 homozygotes.

Submissions (2):

GeneDx
Classification: Benign. Last evaluated: 2018-06-14. Review status: criteria provided, single submitter. Criteria: GeneDx Variant Classification (06012015). Collection method: clinical testing. Allele origin: germline. Affected: yes.
Comment: This variant is considered likely benign or benign based on one or more of the following criteria: it is a conservative change, it occurs at a poorly conserved position in the protein, it is predicted to be benign by multiple in silico algorithms, and/or has population frequency not consistent with disease.

Breakthrough Genomics
Classification: Benign. Review status: criteria provided, single submitter. Criteria: ACMG Guidelines, 2015. Collection method: not provided. Allele origin: germline. Inheritance: Autosomal dominant inheritance. Affected: yes.